The following is an entry in ClinVar:

NM_031935.3(HMCN1):c.4580T>C (p.Val1527Ala)

Gene: HMCN1 (hemicentin 1; plus strand). Cytogenetic location: 1q31.1.
Variant type: single nucleotide variant.
Coding change: c.4580T>C on transcript NM_031935.3 (MANE Select); coding-DNA position 4580, T replaced by C.
Protein change: p.Val1527Ala; replaces valine 1527 with alanine.
Molecular consequence: missense variant.
Genome position (GRCh38, 1-based): chr1:186,007,232, T>C. VCF-style: chr1-186007232-T-C. GRCh37 (hg19) VCF-style: chr1-185976364-T-C.
Other names: short protein forms V1527A.
Identifiers: ClinVar variation 3680132 (VCV003680132.2).

ClinVar aggregate classification (germline): Uncertain significance (1 of 4 stars; one submission).

gnomAD v4.1: 10 of 1,613,766 alleles (0.00062%); highest among the groups gnomAD compares: Middle Eastern, 0.05%; no homozygotes.

Submission:

Labcorp Genetics (formerly Invitae), Labcorp
Classification: Uncertain significance. Last evaluated: 2024-04-22. Review status: criteria provided, single submitter. Criteria: Invitae Variant Classification Sherloc (09022015). Collection method: clinical testing. Allele origin: germline.
Comment: This sequence change replaces valine, which is neutral and non-polar, with alanine, which is neutral and non-polar, at codon 1527 of the HMCN1 protein (p.Val1527Ala). This variant is present in population databases (rs148091763, gnomAD 0.0009%). This variant has not been reported in the literature in individuals affected with HMCN1-related conditions. Algorithms developed to predict the effect of missense changes on protein structure and function output the following: SIFT: "Not Available"; PolyPhen-2: "Benign"; Align-GVGD: "Not Available". The alanine amino acid residue is found in multiple mammalian species, which suggests that this missense change does not adversely affect protein function. In summary, the available evidence is currently insufficient to determine the role of this variant in disease. Therefore, it has been classified as a Variant of Uncertain Significance.